The following is an entry in ClinVar:

ClinVar aggregate classification (germline): Benign/Likely benign. Review status: criteria provided, multiple submitters, no conflicts (2 of 4 stars). 3 submissions from 3 submitters: Benign (2); Likely benign (1). Last evaluated 2026-02-01.

Conditions:
Hereditary spastic paraplegia 49 (HSAN9). Also called: Spastic paraplegia 49, autosomal recessive; NEUROPATHY, HEREDITARY SENSORY AND AUTONOMIC, TYPE IX, WITH DEVELOPMENTAL DELAY; TECPR2-Related Hereditary Sensory and Autonomic Neuropathy with Intellectual Disability. Identifiers: Orphanet 320385, MedGen C5190860, MONDO:0014016, OMIM 615031.

Allele frequency attached by ClinVar (database versions not stated): gnomAD exomes 0.00033 and 0.00097; ExAC 0.00130; gnomAD 0.00349 and 0.00371; TOPMed 0.00373; 1000 Genomes Project 0.00379; 1000 Genomes Project 30x 0.00406; ESP Exome Variant Server 0.00446.

Submissions (3):

Labcorp Genetics (formerly Invitae), Labcorp
Classification: Benign for Hereditary spastic paraplegia 49. Last evaluated: 2026-02-01. Review status: criteria provided, single submitter. Criteria: Invitae Variant Classification Sherloc (09022015). Collection method: clinical testing. Allele origin: germline.

Blueprint Genetics
Classification: Likely benign. Last evaluated: 2024-11-13. Review status: criteria provided, single submitter. Criteria: ACMG Guidelines, 2015. Collection method: clinical testing. Allele origin: germline.

GeneDx
Classification: Benign. Last evaluated: 2017-10-11. Review status: criteria provided, single submitter. Criteria: GeneDx Variant Classification (06012015). Collection method: clinical testing. Allele origin: germline. Affected: yes.
Comment: This variant is considered likely benign or benign based on one or more of the following criteria: it is a conservative change, it occurs at a poorly conserved position in the protein, it is predicted to be benign by multiple in silico algorithms, and/or has population frequency not consistent with disease.

NM_014844.5(TECPR2):c.3075+18C>T

Gene: TECPR2 (tectonin beta-propeller repeat containing 2; plus strand). Cytogenetic location: 14q32.31.
Variant type: single nucleotide variant.
Coding change: c.3075+18C>T on transcript NM_014844.5 (MANE Select); 18 bases into the intron after coding-DNA position 3075, C replaced by T.
Molecular consequence: intron variant.
Genome position (GRCh38, 1-based): chr14:102,445,965, C>T. VCF-style: chr14-102445965-C-T. GRCh37 (hg19) VCF-style: chr14-102912302-C-T.
Other names: c.3075+18C>T (NM_001172631.3).
Identifiers: ClinVar variation 517007 (VCV000517007.7), dbSNP rs140418145, ClinGen allele CA7358123.